The following is an entry in ClinVar:

NM_005045.4(RELN):c.9974C>G (p.Thr3325Ser)

Genes: SLC26A5-AS1 (SLC26A5 antisense RNA 1; plus strand), RELN (reelin; minus strand). Cytogenetic location: 7q22.1.
Variant type: single nucleotide variant.
Coding change: c.9974C>G on transcript NM_005045.4 (MANE Select); coding-DNA position 9974, C replaced by G.
Protein change: p.Thr3325Ser; replaces threonine 3325 with serine.
Molecular consequence: missense variant.
Genome position (GRCh38, 1-based): chr7:103,486,206, G>C on the plus strand (C>G on the coding strand, the complement: RELN is on the minus strand). VCF-style: chr7-103486206-G-C. GRCh37 (hg19) VCF-style: chr7-103126653-G-C.
Other names: c.9974C>G, p.Thr3325Ser (NM_173054.3); short protein forms T3325S.
Identifiers: ClinVar variation 4793531 (VCV004793531.1).
Genomic context (GRCh38, chr7:103,486,206, plus strand): 5'-TGGGCTTGTGACTAATTCTATGTCTGGACTAAAATATGGAGGTTTGGGTACCTTGCTCGA[G>C]TGAGATCCAGAGGCTTGGTAGCTGCTTGCCTGATCTGACAGCCATTAAAGTACAGTGAGT-3'
Protein context (NP_005036.2, residues 3315-3335): RQAATKPLDL[Thr3325Ser]RASKIMFVLQ

ClinVar aggregate classification (germline): Uncertain significance (1 of 4 stars; one submission).

Conditions:
Norman-Roberts syndrome (LIS2). Also called: Lissencephaly 2 (Norman-Roberts type). Identifiers: Orphanet 89844, MedGen C0796089, MONDO:0009760, OMIM 257320.
Familial temporal lobe epilepsy 7. Identifiers: Orphanet 101046, MedGen C4225327, MONDO:0014639, OMIM 616436.

gnomAD v4.1: 1 of 1,613,440 alleles (0.000062%); highest among the groups gnomAD compares: East Asian, 0.0022%; no homozygotes.

Submission:

Labcorp Genetics (formerly Invitae), Labcorp
Classification: Uncertain significance for Familial temporal lobe epilepsy 7; Norman-Roberts syndrome. Last evaluated: 2025-02-12. Review status: criteria provided, single submitter. Criteria: Invitae Variant Classification Sherloc (09022015). Collection method: clinical testing. Allele origin: germline.
Comment: This sequence change replaces threonine, which is neutral and polar, with serine, which is neutral and polar, at codon 3325 of the RELN protein (p.Thr3325Ser). This variant is not present in population databases (gnomAD no frequency). This variant has not been reported in the literature in individuals affected with RELN-related conditions. Invitae Evidence Modeling of protein sequence and biophysical properties (such as structural, functional, and spatial information, amino acid conservation, physicochemical variation, residue mobility, and thermodynamic stability) indicates that this missense variant is not expected to disrupt RELN protein function with a negative predictive value of 80%. In summary, the available evidence is currently insufficient to determine the role of this variant in disease. Therefore, it has been classified as a Variant of Uncertain Significance.